The following is an entry in ClinVar:

NM_000276.4(OCRL):c.1879+2T>G

Gene: OCRL (OCRL inositol polyphosphate-5-phosphatase; plus strand). Cytogenetic location: Xq26.1.
Variant type: single nucleotide variant.
Coding change: c.1879+2T>G on transcript NM_000276.4 (MANE Select); the canonical splice donor site of the intron after coding-DNA position 1879, T replaced by G.
Molecular consequence: splice donor variant.
Genome position (GRCh38, 1-based): chrX:129,576,064, T>G. VCF-style: chrX-129576064-T-G. GRCh37 (hg19) VCF-style: chrX-128710041-T-G.
Other names: c.1882+2T>G (NM_001318784.2); c.1879+2T>G (NM_001587.4).
Identifiers: ClinVar variation 2758774 (VCV002758774.3), dbSNP rs2521920631, ClinGen allele CA414619850.
Genomic context (GRCh38, chrX:129,576,064, plus strand): 5'-CAGCCAGTACTGCAAGCCATGGCTTCGGGCTGAACCTTTTGAGGGCTACTTGGAGCCAAG[T>G]GAGTTTTCCCTTTACCATTGTCTCTGCTGGTGATGTCATGACTCCCATCCCCTTGGTTTA-3'

ClinVar aggregate classification (germline): Likely pathogenic (1 of 4 stars; one submission).

Conditions:
Lowe syndrome (OCRL). Also called: LOWE OCULOCEREBRORENAL SYNDROME; PHOSPHATIDYLINOSITOL 4,5-BISPHOSPHATE 5-PHOSPHATASE DEFICIENCY; Oculocerebrorenal Syndrome. Identifiers: Orphanet 534, MedGen C0028860, MONDO:0010645, OMIM 309000.

Submission:

Labcorp Genetics (formerly Invitae), Labcorp
Classification: Likely pathogenic for Lowe syndrome. Last evaluated: 2023-06-03. Review status: criteria provided, single submitter. Criteria: Invitae Variant Classification Sherloc (09022015). Collection method: clinical testing. Allele origin: germline.
Comment: This sequence change affects a donor splice site in intron 17 of the OCRL gene. It is expected to disrupt RNA splicing. Variants that disrupt the donor or acceptor splice site typically lead to a loss of protein function (PMID: 16199547), and loss-of-function variants in OCRL are known to be pathogenic (PMID: 19390221, 21031565, 22381590). In summary, the currently available evidence indicates that the variant is pathogenic, but additional data are needed to prove that conclusively. Therefore, this variant has been classified as Likely Pathogenic. Algorithms developed to predict the effect of sequence changes on RNA splicing suggest that this variant may disrupt the consensus splice site. This variant has not been reported in the literature in individuals affected with OCRL-related conditions. This variant is not present in population databases (gnomAD no frequency).

Literature cited by the submitters: PubMed 16199547; PubMed 19390221; PubMed 21031565; PubMed 22381590.